The following is an entry in ClinVar:

ClinVar aggregate classification (germline): Conflicting classifications of pathogenicity. Review status: criteria provided, conflicting classifications (1 of 4 stars). 8 submissions from 8 submitters: Uncertain significance (3); Likely benign (4). 1 of the submissions does not count toward it. Last evaluated 2025-11-05.

Conditions:
Hereditary cancer-predisposing syndrome. Also called: Tumor predisposition; Neoplastic Syndromes, Hereditary; Hereditary neoplastic syndrome; Hereditary Cancer Syndrome. Identifiers: Orphanet 140162, MedGen C0027672, MeSH D009386, MONDO:0015356.
Familial cancer of breast. Also called: Hereditary breast cancer; BREAST CANCER, FAMILIAL; hereditary breast carcinoma. Identifiers: Orphanet 227535, MedGen C0346153, MONDO:0016419, OMIM 114480. Disease mechanism: loss of function.
Breast-ovarian cancer, familial, susceptibility to, 2 (BROVCA2). Also called: BRCA2 Hereditary Breast and Ovarian Cancer. Identifiers: Orphanet 145, MedGen C2675520, MONDO:0012933, OMIM 612555. Disease mechanism: loss of function.
Hereditary breast ovarian cancer syndrome. Also called: Hereditary breast and ovarian cancer; Hereditary breast and ovarian cancer syndrome (HBOC); Hereditary breast and/or ovarian cancer syndrome; Breast and ovarian cancer; Hereditary breast and ovarian cancer syndrome; BRCA1- and BRCA2-Associated Hereditary Breast and Ovarian Cancer. Identifiers: Orphanet 145, MedGen C0677776, MeSH D061325, MONDO:0003582. Disease mechanism: loss of function.

Allele frequency attached by ClinVar (database versions not stated): gnomAD exomes below 0.00001; TOPMed 0.00001; gnomAD 0.00002.
gnomAD v4.1: 7 of 1,604,942 alleles (0.00044%); highest among the groups gnomAD compares: Middle Eastern, 0.033%; no homozygotes.

Submissions (8):

Labcorp Genetics (formerly Invitae), Labcorp
Classification: Uncertain significance for Hereditary breast ovarian cancer syndrome. Last evaluated: 2025-11-05. Review status: criteria provided, single submitter. Criteria: Invitae Variant Classification Sherloc (09022015). Collection method: clinical testing. Allele origin: germline.
Comment: This sequence change replaces threonine, which is neutral and polar, with serine, which is neutral and polar, at codon 491 of the BRCA2 protein (p.Thr491Ser). This variant is present in population databases (rs397507268, gnomAD 0.0009%). This missense change has been observed in individual(s) with breast cancer (PMID: 20104584). ClinVar contains an entry for this variant (Variation ID: 37742). Invitae Evidence Modeling of protein sequence and biophysical properties (such as structural, functional, and spatial information, amino acid conservation, physicochemical variation, residue mobility, and thermodynamic stability) indicates that this missense variant is not expected to disrupt BRCA2 protein function with a negative predictive value of 95%. In summary, the available evidence is currently insufficient to determine the role of this variant in disease. Therefore, it has been classified as a Variant of Uncertain Significance.

Ambry Genetics
Classification: Likely benign for Hereditary cancer-predisposing syndrome. Last evaluated: 2025-09-22. Review status: criteria provided, single submitter. Criteria: Ambry Variant Classification Scheme 2023. Collection method: clinical testing. Allele origin: germline.

Color Diagnostics, LLC DBA Color Health
Classification: Likely benign for Hereditary cancer-predisposing syndrome. Last evaluated: 2025-02-18. Review status: criteria provided, single submitter. Criteria: ACMG Guidelines, 2015. Collection method: clinical testing. Allele origin: germline.

University of Washington Department of Laboratory Medicine, University of Washington
Classification: Likely benign for Hereditary cancer-predisposing syndrome. Last evaluated: 2023-03-23. Review status: criteria provided, single submitter. Criteria: Dines et al. (Genet Med. 2020). Collection method: curation. Allele origin: germline.
Comment: Missense variant in a coldspot region where missense variants are very unlikely to be pathogenic (PMID:31911673).

BRCA2 exon 10 coldspot. Reclassification based on statistical prior probability.

Department of Pathology and Laboratory Medicine, Sinai Health System
Classification: Uncertain significance for Familial cancer of breast; Breast-ovarian cancer, familial, susceptibility to, 2. Last evaluated: 2022-04-06. Review status: criteria provided, single submitter. Criteria: ACMG Guidelines, 2015. Collection method: clinical testing. Allele origin: germline. Affected: yes.

Quest Diagnostics Nichols Institute San Juan Capistrano
Classification: Uncertain significance. Last evaluated: 2021-06-01. Review status: criteria provided, single submitter. Criteria: Quest Diagnostics criteria. Collection method: clinical testing. Allele origin: unknown.

GeneDx
Classification: Likely benign. Last evaluated: 2017-08-25. Review status: criteria provided, single submitter. Criteria: GeneDx Variant Classification (06012015). Collection method: clinical testing. Allele origin: germline. Affected: yes.
Comment: This variant is considered likely benign or benign based on one or more of the following criteria: it is a conservative change, it occurs at a poorly conserved position in the protein, it is predicted to be benign by multiple in silico algorithms, and/or has population frequency not consistent with disease.

Sharing Clinical Reports Project (SCRP)
Classification: Likely benign for Breast-ovarian cancer, familial 2. Last evaluated: 2010-03-11. Review status: no assertion criteria provided. Collection method: clinical testing. Allele origin: germline. Not counted in ClinVar's aggregate classification.

Literature cited by the submitters: PubMed 20104584 (cited by 4 submitters); PubMed 33471991 (cited by Quest Diagnostics Nichols Institute San Juan Capistrano).

NM_000059.4(BRCA2):c.1472C>G (p.Thr491Ser)

Gene: BRCA2 (BRCA2 DNA repair associated; plus strand). Cytogenetic location: 13q13.1.
Variant type: single nucleotide variant.
Coding change: c.1472C>G on transcript NM_000059.4 (MANE Select); coding-DNA position 1472, C replaced by G.
Protein change: p.Thr491Ser; replaces threonine 491 with serine.
Molecular consequence: missense variant.
Genome position (GRCh38, 1-based): chr13:32,332,950, C>G. VCF-style: chr13-32332950-C-G. GRCh37 (hg19) VCF-style: chr13-32907087-C-G.
Other names: 1700C>G; short protein forms T491S.
Identifiers: ClinVar variation 37742 (VCV000037742.21), dbSNP rs397507268, ClinGen allele CA012168.
Genomic context (GRCh38, chr13:32,332,950, plus strand): 5'-AGCAGCATCTTGAATCTCATACAGACTGCATTCTTGCAGTAAAGCAGGCAATATCTGGAA[C>G]TTCTCCAGTGGCTTCTTCATTTCAGGGTATCAAAAAGTCTATATTCAGAATAAGAGAATC-3'
Protein context (NP_000050.3, residues 481-501): ILAVKQAISG[Thr491Ser]SPVASSFQGI